The following is an entry in ClinVar:

NM_001371596.2(MFSD8):c.218C>T (p.Thr73Ile)

Gene: MFSD8 (major facilitator superfamily domain containing 8; minus strand). Cytogenetic location: 4q28.2.
Variant type: single nucleotide variant.
Coding change: c.218C>T on transcript NM_001371596.2 (MANE Select); coding-DNA position 218, C replaced by T.
Protein change: p.Thr73Ile; replaces threonine 73 with isoleucine.
Molecular consequence: missense variant.
Genome position (GRCh38, 1-based): chr4:127,943,973, G>A on the plus strand (C>T on the coding strand, the complement: MFSD8 is on the minus strand). VCF-style: chr4-127943973-G-A. GRCh37 (hg19) VCF-style: chr4-128865128-G-A.
Other names: c.218C>T, p.Thr73Ile (NM_001371593.2, NM_001371594.2, NM_001410766.1 and 5 more transcripts); c.83C>T, p.Thr28Ile (NM_001371595.1, NM_001410765.1, NM_001371590.2); short protein forms T73I, T28I.
Identifiers: ClinVar variation 655977 (VCV000655977.8), dbSNP rs377555060, ClinGen allele CA358177132.

ClinVar aggregate classification (germline): Uncertain significance. Review status: criteria provided, multiple submitters, no conflicts (2 of 4 stars). 3 submissions from 3 submitters: Uncertain significance (2). 1 of the submissions does not count toward it. Last evaluated 2026-04-24.

Conditions:
Late-infantile neuronal ceroid lipofuscinosis. Also called: Jansky-Bielschowsky disease. Identifiers: MedGen C0022340, MONDO:0015674.
Neuronal ceroid lipofuscinosis 7 (CLN7). Also called: MFSD8-Related Neuronal Ceroid-Lipofuscinosis. Identifiers: Orphanet 168491, Orphanet 228366, MedGen C1838571, MONDO:0012588, OMIM 610951.

Allele frequency attached by ClinVar (database versions not stated): gnomAD 0.00001; TOPMed 0.00001.
gnomAD v4.1: 9 of 1,614,052 alleles (0.00056%); highest among the groups gnomAD compares: South Asian, 0.0011%; no homozygotes.

Submissions (3):

GeneDx
Classification: Uncertain significance. Last evaluated: 2026-04-24. Review status: criteria provided, single submitter. Criteria: GeneDx Variant Classification Process June 2021. Collection method: clinical testing. Allele origin: germline.
Comment: Not observed at significant frequency in large population cohorts (gnomAD); In silico analysis suggests that this missense variant does not alter protein structure/function; Has not been previously published as pathogenic or benign to our knowledge; In silico analysis is inconclusive as to whether the variant alters gene splicing. In the absence of RNA/functional studies, the actual effect of this sequence change is unknown.

Labcorp Genetics (formerly Invitae), Labcorp
Classification: Uncertain significance for Neuronal ceroid lipofuscinosis 7. Last evaluated: 2022-02-10. Review status: criteria provided, single submitter. Criteria: Invitae Variant Classification Sherloc (09022015). Collection method: clinical testing. Allele origin: germline.
Comment: This sequence change replaces threonine, which is neutral and polar, with isoleucine, which is neutral and non-polar, at codon 73 of the MFSD8 protein (p.Thr73Ile). This variant is not present in population databases (gnomAD no frequency). This variant has not been reported in the literature in individuals affected with MFSD8-related conditions. ClinVar contains an entry for this variant (Variation ID: 655977). Algorithms developed to predict the effect of missense changes on protein structure and function (SIFT, PolyPhen-2, Align-GVGD) all suggest that this variant is likely to be tolerated. In summary, the available evidence is currently insufficient to determine the role of this variant in disease. Therefore, it has been classified as a Variant of Uncertain Significance.

Natera, Inc.
Classification: Uncertain significance for Late-infantile neuronal ceroid lipofuscinosis. Last evaluated: 2021-03-29. Review status: no assertion criteria provided. Collection method: clinical testing. Allele origin: germline. Not counted in ClinVar's aggregate classification.